The following is an entry in ClinVar:

ClinVar aggregate classification (germline): Likely benign (1 of 4 stars; one submission).

Conditions:
SH2B1-related disorder. Also called: SH2B1-related condition.

Submission:

PreventionGenetics, part of Exact Sciences
Classification: Likely benign for SH2B1-related condition. Last evaluated: 2025-11-05. Review status: criteria provided, single submitter. Criteria: ACMG Guidelines, 2015. Collection method: clinical testing. Allele origin: germline.
Comment: This variant is classified as likely benign based on ACMG/AMP sequence variant interpretation guidelines (Richards et al. 2015 PMID: 25741868, with internal and published modifications).

NM_001387430.1(SH2B1):c.1878A>C (p.Pro626=)

Gene: SH2B1 (SH2B adaptor protein 1; plus strand). Cytogenetic location: 16p11.2.
Variant type: single nucleotide variant.
Coding change: c.1878A>C on transcript NM_001387430.1 (MANE Select); coding-DNA position 1878, A replaced by C.
Protein change: p.Pro626=; no amino-acid change (proline 626 retained).
Molecular consequence: synonymous variant.
Genome position (GRCh38, 1-based): chr16:28,872,686, A>C. VCF-style: chr16-28872686-A-C. GRCh37 (hg19) VCF-style: chr16-28884007-A-C.
Other names: c.1878A>C, p.Pro626= (NM_001145795.2, NM_001145796.2, NM_001145797.2 and 4 more transcripts); c.870A>C, p.Pro290= (NM_001308294.2).
Identifiers: ClinVar variation 4994006 (VCV004994006.1).
Genomic context (GRCh38, chr16:28,872,686, plus strand): 5'-GCACCCCATCCCTTTGGAGTCGGGAGGCTCCAGTGATGTTGTCCTTGTCAGCTATGTCCC[A>C]TCCTCCCAGCGACAGCAGGGTGAGCAGAGCAGGTCTGCAGGGGAGGAGGTGCCCGTGCAC-3'
Protein context (NP_001374359.1, residues 616-636): SSDVVLVSYV[Pro626=]SSQRQQEPTT